The following is an entry in ClinVar:

ClinVar aggregate classification (germline): Uncertain significance (1 of 4 stars; one submission).

Allele frequency attached by ClinVar (database versions not stated): gnomAD exomes below 0.00001 and 0.00001; gnomAD 0.00001.
gnomAD v4.1: 7 of 1,614,132 alleles (0.00043%); highest among the groups gnomAD compares: Non-Finnish European, 0.00059%; no homozygotes.

Submission:

Labcorp Genetics (formerly Invitae), Labcorp
Classification: Uncertain significance. Last evaluated: 2022-02-08. Review status: criteria provided, single submitter. Criteria: Invitae Variant Classification Sherloc (09022015). Collection method: clinical testing. Allele origin: germline.
Comment: This variant has not been reported in the literature in individuals affected with DHX38-related conditions. This variant is present in population databases (no rsID available, gnomAD 0.0009%). This sequence change replaces isoleucine, which is neutral and non-polar, with threonine, which is neutral and polar, at codon 443 of the DHX38 protein (p.Ile443Thr). ClinVar contains an entry for this variant (Variation ID: 1056804). In summary, the available evidence is currently insufficient to determine the role of this variant in disease. Therefore, it has been classified as a Variant of Uncertain Significance. Algorithms developed to predict the effect of missense changes on protein structure and function are either unavailable or do not agree on the potential impact of this missense change (SIFT: "Deleterious"; PolyPhen-2: "Benign"; Align-GVGD: "Class C65").

NM_014003.4(DHX38):c.1328T>C (p.Ile443Thr)

Gene: DHX38 (DEAH-box helicase 38; plus strand). Cytogenetic location: 16q22.2.
Variant type: single nucleotide variant.
Coding change: c.1328T>C on transcript NM_014003.4 (MANE Select); coding-DNA position 1328, T replaced by C.
Protein change: p.Ile443Thr; replaces isoleucine 443 with threonine.
Molecular consequence: missense variant.
Genome position (GRCh38, 1-based): chr16:72,101,135, T>C. VCF-style: chr16-72101135-T-C. GRCh37 (hg19) VCF-style: chr16-72135034-T-C.
Other names: short protein forms I443T.
Identifiers: ClinVar variation 1056804 (VCV001056804.9), dbSNP rs1394470654, ClinGen allele CA396706021.